The following is an entry in ClinVar:

ClinVar aggregate classification (germline): Uncertain significance. Review status: criteria provided, single submitter (1 of 4 stars). 2 submissions from 2 submitters: Uncertain significance (1). 1 of the submissions does not count toward it. Last evaluated 2026-04-20.

gnomAD v4.1: 5 of 1,613,934 alleles (0.00031%); highest among the groups gnomAD compares: Non-Finnish European, 0.00042%; no homozygotes.

Submissions (2):

GeneDx
Classification: Uncertain significance. Last evaluated: 2026-04-20. Review status: criteria provided, single submitter. Criteria: GeneDx Variant Classification Process June 2021. Collection method: clinical testing. Allele origin: germline.
Comment: Not observed at significant frequency in large population cohorts (gnomAD); In silico analysis supports that this missense variant has a deleterious effect on protein structure/function; Has not been previously published as pathogenic or benign to our knowledge

Clinical Genetics Laboratory, University Hospital Schleswig-Holstein
Classification: Uncertain significance. Last evaluated: 2024-03-05. Review status: no assertion criteria provided. Collection method: clinical testing. Allele origin: germline. Affected: yes. Not counted in ClinVar's aggregate classification.

Literature cited by the submitters: PubMed 3350388 (cited by Clinical Genetics Laboratory, University Hospital Schleswig-Holstein).

NM_001042603.3(KDM5A):c.1709A>G (p.Tyr570Cys)

Gene: KDM5A (lysine demethylase 5A; minus strand). Cytogenetic location: 12p13.33.
Variant type: single nucleotide variant.
Coding change: c.1709A>G on transcript NM_001042603.3 (MANE Select); coding-DNA position 1709, A replaced by G.
Protein change: p.Tyr570Cys; replaces tyrosine 570 with cysteine.
Molecular consequence: missense variant.
Genome position (GRCh38, 1-based): chr12:331,883, T>C on the plus strand (A>G on the coding strand, the complement: KDM5A is on the minus strand). VCF-style: chr12-331883-T-C. GRCh37 (hg19) VCF-style: chr12-441049-T-C.
Other names: c.1709A>G (NM_001042603.1); short protein forms Y570C.
Identifiers: ClinVar variation 4081930 (VCV004081930.2).